The following is an entry in ClinVar:

ClinVar aggregate classification (germline): Likely pathogenic (1 of 4 stars; one submission).

Conditions:
ADCY3-related disorder. Also called: ADCY3-related condition.

Submission:

PreventionGenetics, part of Exact Sciences
Classification: Likely pathogenic for ADCY3-related condition. Last evaluated: 2024-10-24. Review status: criteria provided, single submitter. Criteria: ACMG Guidelines, 2015. Collection method: clinical testing. Allele origin: germline.
Comment: The ADCY3 c.725_734delinsCACAGCGATGCGGG variant is predicted to result in a frameshift and premature protein termination (p.Met242Thrfs*8). To our knowledge, this variant has not been reported in the literature or in a large population database (gnomAD), indicating this variant is rare. Frameshift variants in ADCY3 are expected to be pathogenic. This variant is interpreted as likely pathogenic.

NM_004036.5(ADCY3):c.725_734delinsCACAGCGATGCGGG (p.Met242fs)

Gene: ADCY3 (adenylate cyclase 3; minus strand). Cytogenetic location: 2p23.3.
Variant type: Indel.
Coding change: c.725_734delinsCACAGCGATGCGGG on transcript NM_004036.5 (MANE Select); coding-DNA positions 725 to 734, TGTCCTACTA replaced by CACAGCGATGCGGG.
Protein change: p.Met242fs; shifts the reading frame from methionine 242.
Molecular consequence: frameshift variant. On other transcripts: initiator codon variant (1).
Genome position (GRCh38, 1-based): chr2:24,872,661-24,872,670, TAGTAGGACA replaced by CCCGCATCGCTGTG on the plus strand (TGTCCTACTA replaced by CACAGCGATGCGGG on the coding strand, the reverse complement: ADCY3 is on the minus strand). VCF-style: chr2-24872661-TAGTAGGACA-CCCGCATCGCTGTG. GRCh37 (hg19) VCF-style: chr2-25095530-TAGTAGGACA-CCCGCATCGCTGTG.
Other names: c.725_734delinsCACAGCGATGCGGG, p.Met242fs (NM_001320613.2, NM_001377128.1, NM_001377129.1 and 2 more transcripts); c.2_11delinsCACAGCGATGCGGG, p.Met1fs (NM_001377131.1); short protein forms M1fs, M242fs.
Identifiers: ClinVar variation 4998582 (VCV004998582.1).
Genomic context (GRCh38, chr2:24,872,661, plus strand): 5'-TTCACCTCCAGCGACTGGCGGGCCTCCAGGAAGGCCTTGCGGTGCTTGCGGTCAGCCATG[TAGTAGGACA>CCCGCATCGCTGTG]TGATGCCCACAGCGATGGCGCACAGGTAGAGGAAGACGTTGGCCAGGATCTGCACCCCAA-3'